The following is an entry in ClinVar:

NM_000535.7(PMS2):c.1294A>G (p.Asn432Asp)

Gene: PMS2 (PMS1 homolog 2, mismatch repair system component; minus strand). Cytogenetic location: 7p22.1.
Variant type: single nucleotide variant.
Coding change: c.1294A>G on transcript NM_000535.7 (MANE Select); coding-DNA position 1294, A replaced by G.
Protein change: p.Asn432Asp; replaces asparagine 432 with aspartic acid.
Molecular consequence: missense variant. On other transcripts: non-coding transcript variant (1).
Genome position (GRCh38, 1-based): chr7:5,987,471, T>C on the plus strand (A>G on the coding strand, the complement: PMS2 is on the minus strand). VCF-style: chr7-5987471-T-C. GRCh37 (hg19) VCF-style: chr7-6027102-T-C.
Other names: c.889A>G, p.Asn297Asp (NM_001322003.2, NM_001322004.2, NM_001322005.2 and 1 more transcripts); c.1138A>G, p.Asn380Asp (NM_001322006.2); c.976A>G, p.Asn326Asp (NM_001322007.2, NM_001322008.2); c.733A>G, p.Asn245Asp (NM_001322010.2); c.361A>G, p.Asn121Asp (NM_001322011.2, NM_001322012.2); c.721A>G, p.Asn241Asp (NM_001322013.2); c.1294A>G, p.Asn432Asp (NM_001322014.2); c.985A>G, p.Asn329Asp (NM_001322015.2); and 1 more; short protein forms N121D, N241D, N245D, N297D, N326D, N329D, N380D, N432D.
Identifiers: ClinVar variation 928784 (VCV000928784.3), dbSNP rs1783144549, ClinGen allele CA366742397.

ClinVar aggregate classification (germline): Conflicting classifications of pathogenicity. Review status: criteria provided, conflicting classifications (1 of 4 stars). 2 submissions from 2 submitters: Uncertain significance (1); Likely benign (1). Last evaluated 2026-08-14.

Conditions:
Hereditary cancer-predisposing syndrome. Also called: Neoplastic Syndromes, Hereditary; Hereditary Cancer Syndrome; Tumor predisposition; Hereditary neoplastic syndrome. Identifiers: Orphanet 140162, MedGen C0027672, MeSH D009386, MONDO:0015356.

Submissions (2):

Ambry Genetics
Classification: Likely benign for Hereditary cancer-predisposing syndrome. Last evaluated: 2026-08-14. Review status: criteria provided, single submitter. Criteria: Ambry Variant Classification Scheme 2023. Collection method: clinical testing. Allele origin: germline.

Women's Health and Genetics/Laboratory Corporation of America, LabCorp
Classification: Uncertain significance. Last evaluated: 2019-05-14. Review status: criteria provided, single submitter. Criteria: LabCorp Variant Classification Summary - May 2015. Collection method: clinical testing. Allele origin: germline.
Comment: Variant summary: PMS2 c.1294A>G (p.Asn432Asp) results in a conservative amino acid change in the encoded protein sequence. Five of five in-silico tools predict a benign effect of the variant on protein function. The variant was absent in 251074 control chromosomes (gnomAD). The available data on variant occurrences in the general population are insufficient to allow any conclusion about variant significance. To our knowledge, no occurrence of c.1294A>G in individuals affected with Hereditary Non-Polyposis Colon Cancer and no experimental evidence demonstrating its impact on protein function have been reported. No clinical diagnostic laboratories have submitted clinical-significance assessments for this variant to ClinVar after 2014. Based on the evidence outlined above, the variant was classified as uncertain significance.